The following is an entry in ClinVar:

ClinVar aggregate classification (germline): Pathogenic/Likely pathogenic. Review status: criteria provided, multiple submitters, no conflicts (2 of 4 stars). 7 submissions from 7 submitters: Pathogenic (4); Likely pathogenic (2). 1 of the submissions does not count toward it. Last evaluated 2025-10-03.

Conditions:
Congenital lipoid adrenal hyperplasia due to STAR deficency. Also called: ADRENAL HYPERPLASIA I; Lipoid adrenal hyperplasia; Congenital Lipoid Adrenal Hyperplasia; Cholesterol monooxygenase (side-chain cleaving) deficiency. Identifiers: Orphanet 418, Orphanet 90790, MedGen C0342474, MONDO:0008725, OMIM 201710.
Syndactyly-telecanthus-anogenital and renal malformations syndrome (STAR). Also called: SYNDACTYLY WITH RENAL AND ANOGENITAL MALFORMATIONS. Identifiers: Orphanet 140952, MedGen C2678045, MONDO:0010408, OMIM 300707.

Allele frequency attached by ClinVar (database versions not stated): ExAC 0.00001; gnomAD exomes below 0.00001.
gnomAD v4.1: 4 of 1,614,164 alleles (0.00025%); highest among the groups gnomAD compares: East Asian, 0.0022%; no homozygotes.

Submissions (7):

Dasa
Classification: Likely pathogenic. Last evaluated: 2025-10-03. Review status: criteria provided, single submitter. Criteria: DASA Assertion Criteria. Collection method: clinical testing. Allele origin: germline.
Comment: NM_000349.3(STAR):c.505G>A (p.Glu169Lys) is a missense variant that results in the substitution of glutamic acid with lysine. The affected residue or protein region has prior evidence supporting clinical relevance. This variant has been recurrently observed in individuals with STAR-related disorders (PMID: 23920000; PMID: 16118340). Functional evidence supports an impact on the gene or gene product. Also, this variant is rare in population databases. Computational evidence supports a deleterious effect. Based on the currently available evidence, this variant is classified as likely pathogenic.

Labcorp Genetics (formerly Invitae), Labcorp
Classification: Pathogenic. Last evaluated: 2025-08-15. Review status: criteria provided, single submitter. Criteria: Invitae Variant Classification Sherloc (09022015). Collection method: clinical testing. Allele origin: germline.
Comment: This sequence change replaces glutamic acid, which is acidic and polar, with lysine, which is basic and polar, at codon 169 of the STAR protein (p.Glu169Lys). This variant is present in population databases (rs747169620, gnomAD 0.0009%). This missense change has been observed in individuals with congenital lipoid adrenal hyperplasia (PMID: 8948562, 23920000, 26523528). ClinVar contains an entry for this variant (Variation ID: 448533). Invitae Evidence Modeling of protein sequence and biophysical properties (such as structural, functional, and spatial information, amino acid conservation, physicochemical variation, residue mobility, and thermodynamic stability) indicates that this missense variant is expected to disrupt STAR protein function with a positive predictive value of 80%. Experimental studies have shown that this missense change affects STAR function (PMID: 8948562, 23920000). This variant disrupts the p.Glu169 amino acid residue in STAR. Other variant(s) that disrupt this residue have been observed in individuals with STAR-related conditions (PMID: 8948562), which suggests that this may be a clinically significant amino acid residue. For these reasons, this variant has been classified as Pathogenic.

Natera, Inc.
Classification: Likely pathogenic for Congenital lipoid adrenal hyperplasia. Last evaluated: 2025-01-06. Review status: criteria provided, single submitter. Criteria: Natera Variant Classification Schema (03/2026). Collection method: clinical testing. Allele origin: germline.
Comment: The c.505G>A variant in STAR is a missense variant predicted to cause substitution of glutamic acid to lysine at amino acid 169. This variant is rare in the general population with a frequency below the threshold expected for the associated phenotype(s). This variant has been observed in one or more individuals affected with the associated recessive disease, as either homozygous or compound heterozygous with a second variant (PMID: 8948562). Functional studies show that this variant may disrupt protein function (PMID: 8948562, 23920000). Computational prediction algorithms indicate this variant is likely to affect gene or protein function. Given the available evidence, this variant is classified as Likely Pathogenic.

Women's Health and Genetics/Laboratory Corporation of America, LabCorp
Classification: Pathogenic for Congenital lipoid adrenal hyperplasia due to STAR deficency. Last evaluated: 2024-11-01. Review status: criteria provided, single submitter. Criteria: LabCorp Variant Classification Summary - May 2015. Collection method: clinical testing. Allele origin: germline.
Comment: Variant summary: STAR c.505G>A (p.Glu169Lys) results in a conservative amino acid change located in the START domain (IPR002913) of the encoded protein sequence. Four of five in-silico tools predict a damaging effect of the variant on protein function. The variant allele was found at a frequency of 4e-06 in 251010 control chromosomes. c.505G>A has been reported in the literature in the homozygous and compound heterozygous states in individuals affected with Congenital Lipoid Adrenal Hyperplasia (Bose_1996, Guran_2016, Yuskel_2013). These data indicate that the variant is likely to be associated with disease. At least one publication reports experimental evidence evaluating an impact on protein function. The most pronounced variant effect results in <10% of normal activity (Bose_1996, Yuskel_2013). The following publications have been ascertained in the context of this evaluation (PMID: 16968793, 8948562, 26523528, 23920000). ClinVar contains an entry for this variant (Variation ID: 448533). Based on the evidence outlined above, the variant was classified as pathogenic.

Laboratory of Medical Genetics, National & Kapodistrian University of Athens
Classification: Pathogenic for Syndactyly-telecanthus-anogenital and renal malformations syndrome. Last evaluated: 2024-02-01. Review status: criteria provided, single submitter. Criteria: ACMG Guidelines, 2015. Collection method: curation. Allele origin: germline. Affected: no.

Athena Diagnostics
Classification: Pathogenic. Last evaluated: 2017-02-01. Review status: criteria provided, single submitter. Criteria: Athena Diagnostics Criteria. Collection method: clinical testing. Allele origin: germline.

Counsyl
Classification: Likely pathogenic for Congenital lipoid adrenal hyperplasia due to STAR deficency. Last evaluated: 2017-08-25. Review status: no assertion criteria provided. Collection method: clinical testing. Allele origin: unknown. Not counted in ClinVar's aggregate classification.

Literature cited by the submitters: PubMed 23920000 (cited by 6 submitters); PubMed 16118340 (cited by Dasa); PubMed 8948562 (cited by 5 submitters); PubMed 26523528 (cited by 4 submitters); PubMed 16968793 (cited by Women's Health and Genetics/Laboratory Corporation of America, LabCorp); PubMed 18729825 (cited by Counsyl).

NM_000349.3(STAR):c.505G>A (p.Glu169Lys)

Gene: STAR (steroidogenic acute regulatory protein; minus strand). Cytogenetic location: 8p11.23.
Variant type: single nucleotide variant.
Coding change: c.505G>A on transcript NM_000349.3 (MANE Select); coding-DNA position 505, G replaced by A.
Protein change: p.Glu169Lys; replaces glutamic acid 169 with lysine.
Molecular consequence: missense variant.
Genome position (GRCh38, 1-based): chr8:38,146,108, C>T on the plus strand (G>A on the coding strand, the complement: STAR is on the minus strand). VCF-style: chr8-38146108-C-T. GRCh37 (hg19) VCF-style: chr8-38003626-C-T.
Other names: short protein forms E169K.
Identifiers: ClinVar variation 448533 (VCV000448533.8), dbSNP rs747169620, ClinGen allele CA4715221.